The following is an entry in ClinVar:

NM_006186.4(NR4A2):c.1456A>G (p.Ile486Val)

Gene: NR4A2 (nuclear receptor subfamily 4 group A member 2; minus strand). Cytogenetic location: 2q24.1.
Variant type: single nucleotide variant.
Coding change: c.1456A>G on transcript NM_006186.4 (MANE Select); coding-DNA position 1456, A replaced by G.
Protein change: p.Ile486Val; replaces isoleucine 486 with valine.
Molecular consequence: missense variant.
Genome position (GRCh38, 1-based): chr2:156,326,234, T>C on the plus strand (A>G on the coding strand, the complement: NR4A2 is on the minus strand). VCF-style: chr2-156326234-T-C. GRCh37 (hg19) VCF-style: chr2-157182746-T-C.
Other names: c.1267A>G, p.Ile423Val (NM_173173.3); short protein forms I423V, I486V.
Identifiers: ClinVar variation 3902473 (VCV003902473.1).

ClinVar aggregate classification (germline): Uncertain significance (1 of 4 stars; one submission).

Submission:

Women's Health and Genetics/Laboratory Corporation of America, LabCorp
Classification: Uncertain significance. Last evaluated: 2025-05-06. Review status: criteria provided, single submitter. Criteria: LabCorp Variant Classification Summary - May 2015. Collection method: clinical testing. Allele origin: germline.
Comment: Variant summary: NR4A2 c.1456A>G (p.Ile486Val) results in a conservative amino acid change in the encoded protein sequence. Algorithms developed to predict the effect of missense changes on protein structure and function are either unavailable or do not agree on the potential impact of this missense change. The variant was absent in 251494 control chromosomes (gnomAD). The available data on variant occurrences in the general population are insufficient to allow any conclusion about variant significance. To our knowledge, no occurrence of c.1456A>G in individuals affected with Intellectual Developmental Disorder With Language Impairment And Early-Onset DOPA-Responsive Dystonia-Parkinsonism and no experimental evidence demonstrating its impact on protein function have been reported. No submitters have cited clinical-significance assessments for this variant to ClinVar. Based on the evidence outlined above, the variant was classified as uncertain significance.